The following is an entry in ClinVar:

ClinVar aggregate classification (germline): Uncertain significance (1 of 4 stars; one submission).

Conditions:
Myofibrillar myopathy 6. Identifiers: Orphanet 199340, MedGen C2751831, MONDO:0013061, OMIM 612954.
Dilated cardiomyopathy 1HH (CMD1HH). Identifiers: Orphanet 154, MedGen C3151293, MONDO:0013479, OMIM 613881.

Submission:

Labcorp Genetics (formerly Invitae), Labcorp
Classification: Uncertain significance for Dilated cardiomyopathy 1HH; Myofibrillar myopathy 6. Last evaluated: 2022-03-12. Review status: criteria provided, single submitter. Criteria: Invitae Variant Classification Sherloc (09022015). Collection method: clinical testing. Allele origin: germline.
Comment: In summary, the available evidence is currently insufficient to determine the role of this variant in disease. Therefore, it has been classified as a Variant of Uncertain Significance. Algorithms developed to predict the effect of missense changes on protein structure and function output the following: SIFT: "Tolerated"; PolyPhen-2: "Not Available"; Align-GVGD: "Class C0". The serine amino acid residue is found in multiple mammalian species, which suggests that this missense change does not adversely affect protein function. This variant has not been reported in the literature in individuals affected with BAG3-related conditions. This variant is not present in population databases (gnomAD no frequency). This sequence change replaces alanine, which is neutral and non-polar, with serine, which is neutral and polar, at codon 529 of the BAG3 protein (p.Ala529Ser).

NM_004281.4(BAG3):c.1585G>T (p.Ala529Ser)

Gene: BAG3 (BAG cochaperone 3; plus strand). Cytogenetic location: 10q26.11.
Variant type: single nucleotide variant.
Coding change: c.1585G>T on transcript NM_004281.4 (MANE Select); coding-DNA position 1585, G replaced by T.
Protein change: p.Ala529Ser; replaces alanine 529 with serine.
Molecular consequence: missense variant.
Genome position (GRCh38, 1-based): chr10:119,677,139, G>T. VCF-style: chr10-119677139-G-T. GRCh37 (hg19) VCF-style: chr10-121436651-G-T.
Other names: short protein forms A529S.
Identifiers: ClinVar variation 2109980 (VCV002109980.4), dbSNP rs2494024629, ClinGen allele CA378297642.